The following is an entry in ClinVar:

ClinVar aggregate classification (germline): Uncertain significance (1 of 4 stars; one submission).

Conditions:
Donnai-Barrow syndrome. Also called: DBS/FOAR SYNDROME; FACIOOCULOACOUSTICORENAL SYNDROME. Identifiers: Orphanet 2143, MedGen C1857277, MONDO:0009104, OMIM 222448.

gnomAD v4.1: 2 of 1,613,416 alleles (0.00012%); highest among the groups gnomAD compares: Non-Finnish European, 0.00017%; no homozygotes.

Submission:

Myriad Genetics, Inc.
Classification: Uncertain significance for Donnai-Barrow syndrome. Last evaluated: 2026-03-06. Review status: criteria provided, single submitter. Criteria: Myriad Autosomal Dominant, Autosomal Recessive and X-Linked Classification Criteria (2023). Collection method: clinical testing. Allele origin: unknown.
Comment: NM_004525.2(LRP2):c.12020-2A>G is a variant in a canonical splice site classified as a variant of uncertain significance in the context of Donnai-Barrow syndrome. c.12020-2A>G has not been observed in cases with relevant disease. Relevant functional assessments of this variant are not available in the literature. c.12020-2A>G has been observed in referenced population frequency databases. In summary, there is insufficient evidence to classify NM_004525.2(LRP2):c.12020-2A>G as pathogenic or benign. Please note: this variant was assessed in the context of healthy population screening.

NM_004525.3(LRP2):c.12020-2A>G

Gene: LRP2 (LDL receptor related protein 2; minus strand). Cytogenetic location: 2q31.1.
Variant type: single nucleotide variant.
Coding change: c.12020-2A>G on transcript NM_004525.3 (MANE Select); the canonical splice acceptor site of the intron before coding-DNA position 12020, A replaced by G.
Molecular consequence: splice acceptor variant.
Genome position (GRCh38, 1-based): chr2:169,156,407, T>C on the plus strand (A>G on the coding strand, the complement: LRP2 is on the minus strand). VCF-style: chr2-169156407-T-C. GRCh37 (hg19) VCF-style: chr2-170012917-T-C.
Identifiers: ClinVar variation 5004004 (VCV005004004.1).